The following is an entry in ClinVar:

NM_001104.4(ACTN3):c.940C>T (p.Arg314Cys)

Gene: ACTN3 (actinin alpha 3; plus strand). Cytogenetic location: 11q13.2.
Variant type: single nucleotide variant.
Coding change: c.940C>T on transcript NM_001104.4 (MANE Select); coding-DNA position 940, C replaced by T.
Protein change: p.Arg314Cys; replaces arginine 314 with cysteine.
Molecular consequence: missense variant.
Genome position (GRCh38, 1-based): chr11:66,557,741, C>T. VCF-style: chr11-66557741-C-T. GRCh37 (hg19) VCF-style: chr11-66325212-C-T.
Other names: c.1069C>T, p.Arg357Cys (NM_001258371.3); short protein forms R314C, R357C.
Identifiers: ClinVar variation 2641993 (VCV002641993.24), dbSNP rs200574979, ClinGen allele CA6124509.

ClinVar aggregate classification (germline): Benign (1 of 4 stars; one submission).

Allele frequency attached by ClinVar (database versions not stated): TOPMed 0.00019; ESP Exome Variant Server 0.00023; gnomAD 0.00045; gnomAD exomes 0.00070; 1000 Genomes Project 30x 0.00172; ExAC 0.00173; 1000 Genomes Project 0.00180.

Submission:

CeGaT Center for Human Genetics Tuebingen
Classification: Benign. Last evaluated: 2022-06-01. Review status: criteria provided, single submitter. Criteria: CeGaT Center For Human Genetics Tuebingen Variant Classification Criteria Version 2. Collection method: clinical testing. Allele origin: germline. Affected: yes. Observed: 1 variant allele.
Comment: ACTN3: BS1, BS2